The following is an entry in ClinVar:

ClinVar aggregate classification (germline): Uncertain significance (1 of 4 stars; one submission).

Conditions:
Joubert syndrome 18 (JBTS18). Identifiers: Orphanet 2754, MedGen C3553758, MONDO:0013896, OMIM 614815.
Orofacial-digital syndrome IV (OFD4). Also called: BARAITSER-BURN SYNDROME; OFD SYNDROME WITH TIBIAL DEFECTS; OFD SYNDROME, BARAITSER-BURN TYPE; OFDS IV; ORAL-FACIAL-DIGITAL SYNDROME, TYPE IV; Orofaciodigital syndrome IV. Identifiers: Orphanet 2753, MedGen C0406727, MONDO:0009794, OMIM 258860.

Submission:

Labcorp Genetics (formerly Invitae), Labcorp
Classification: Uncertain significance for Joubert syndrome 18; Orofacial-digital syndrome IV. Last evaluated: 2022-05-05. Review status: criteria provided, single submitter. Criteria: Invitae Variant Classification Sherloc (09022015). Collection method: clinical testing. Allele origin: germline.
Comment: In summary, the available evidence is currently insufficient to determine the role of this variant in disease. Therefore, it has been classified as a Variant of Uncertain Significance. Algorithms developed to predict the effect of missense changes on protein structure and function output the following: SIFT: "Tolerated"; PolyPhen-2: "Benign"; Align-GVGD: "Class C0". The valine amino acid residue is found in multiple mammalian species, which suggests that this missense change does not adversely affect protein function. This variant has not been reported in the literature in individuals affected with TCTN3-related conditions. This variant is not present in population databases (gnomAD no frequency). This sequence change replaces isoleucine, which is neutral and non-polar, with valine, which is neutral and non-polar, at codon 224 of the TCTN3 protein (p.Ile224Val).

NM_015631.6(TCTN3):c.670A>G (p.Ile224Val)

Gene: TCTN3 (tectonic family member 3; minus strand). Cytogenetic location: 10q24.1.
Variant type: single nucleotide variant.
Coding change: c.670A>G on transcript NM_015631.6 (MANE Select); coding-DNA position 670, A replaced by G.
Protein change: p.Ile224Val; replaces isoleucine 224 with valine.
Molecular consequence: missense variant. On other transcripts: intron variant (1).
Genome position (GRCh38, 1-based): chr10:95,687,313, T>C on the plus strand (A>G on the coding strand, the complement: TCTN3 is on the minus strand). VCF-style: chr10-95687313-T-C. GRCh37 (hg19) VCF-style: chr10-97447070-T-C.
Other names: c.724A>G, p.Ile242Val (NM_001013840.1); c.670A>G, p.Ile224Val (NM_001410982.1); c.500-154A>G (NM_001143973.2); short protein forms I242V, I224V.
Identifiers: ClinVar variation 2134233 (VCV002134233.4), dbSNP rs2492762393, ClinGen allele CA377707741.